The following is an entry in ClinVar:

ClinVar aggregate classification (germline): Uncertain significance. Review status: criteria provided, multiple submitters, no conflicts (2 of 4 stars). 2 submissions from 2 submitters: Uncertain significance (2). Last evaluated 2024-09-06.

Conditions:
Singleton-Merten syndrome 1 (SGMRT1). Also called: Widened medullary cavities of bone, aortic calcification, abnormal dentition, and muscular weakness; Syndrome of widened medullary cavities of the metacarpals and phalanges, aortic calcification and abnormal dentition. Identifiers: Orphanet 85191, MedGen C4225427, MONDO:0024535, OMIM 182250.
Aicardi-Goutieres syndrome 7 (AGS7). Identifiers: Orphanet 51, MedGen C3888244, MONDO:0014367, OMIM 615846.

Allele frequency attached by ClinVar (database versions not stated): TOPMed below 0.00001; gnomAD 0.00001; gnomAD exomes 0.00001 and below 0.00001.
gnomAD v4.1: 5 of 1,601,850 alleles (0.00031%); highest among the groups gnomAD compares: East Asian, 0.0045%; no homozygotes.

Submissions (2):

Labcorp Genetics (formerly Invitae), Labcorp
Classification: Uncertain significance for Aicardi-Goutieres syndrome 7; Singleton-Merten syndrome 1. Last evaluated: 2024-09-06. Review status: criteria provided, single submitter. Criteria: Invitae Variant Classification Sherloc (09022015). Collection method: clinical testing. Allele origin: germline.
Comment: This sequence change affects a donor splice site in intron 9 of the IFIH1 gene. It is expected to disrupt RNA splicing. Variants that disrupt the donor or acceptor splice site typically lead to a loss of protein function (PMID: 16199547), however the current clinical and genetic evidence is not sufficient to establish whether loss-of-function variants in IFIH1 cause disease. This variant is present in population databases (no rsID available, gnomAD 0.007%). This variant has not been reported in the literature in individuals affected with IFIH1-related conditions. ClinVar contains an entry for this variant (Variation ID: 1378241). Algorithms developed to predict the effect of sequence changes on RNA splicing suggest that this variant may disrupt the consensus splice site. In summary, the available evidence is currently insufficient to determine the role of this variant in disease. Therefore, it has been classified as a Variant of Uncertain Significance.

GeneDx
Classification: Uncertain significance. Last evaluated: 2023-02-15. Review status: criteria provided, single submitter. Criteria: GeneDx Variant Classification Process June 2021. Collection method: clinical testing. Allele origin: germline. Affected: yes.
Comment: Has not been previously published as pathogenic or benign to our knowledge; Canonical splice site variant in a gene for which loss-of-function is not a known mechanism of disease

Literature cited by the submitters: PubMed 16199547 (cited by Labcorp Genetics (formerly Invitae), Labcorp).

NM_022168.4(IFIH1):c.1765+1G>A

Gene: IFIH1 (interferon induced with helicase C domain 1; minus strand). Cytogenetic location: 2q24.2.
Variant type: single nucleotide variant.
Coding change: c.1765+1G>A on transcript NM_022168.4 (MANE Select); the canonical splice donor site of the intron after coding-DNA position 1765, G replaced by A.
Molecular consequence: splice donor variant.
Genome position (GRCh38, 1-based): chr2:162,278,204, C>T on the plus strand (G>A on the coding strand, the complement: IFIH1 is on the minus strand). VCF-style: chr2-162278204-C-T. GRCh37 (hg19) VCF-style: chr2-163134714-C-T.
Identifiers: ClinVar variation 1378241 (VCV001378241.7), dbSNP rs1292220162, ClinGen allele CA348999986.